The following is an entry in ClinVar:

ClinVar aggregate classification (germline): Uncertain significance (1 of 4 stars; one submission).

Conditions:
Hereditary cancer-predisposing syndrome. Also called: Neoplastic Syndromes, Hereditary; Tumor predisposition; Hereditary neoplastic syndrome; Hereditary Cancer Syndrome. Identifiers: Orphanet 140162, MedGen C0027672, MeSH D009386, MONDO:0015356.

gnomAD v4.1: 1 of 1,603,366 alleles (0.000062%); highest among the groups gnomAD compares: East Asian, 0.0022%; no homozygotes.

Submission:

Ambry Genetics
Classification: Uncertain significance for Hereditary cancer-predisposing syndrome. Last evaluated: 2026-07-02. Review status: criteria provided, single submitter. Criteria: Ambry Variant Classification Scheme 2023. Collection method: clinical testing. Allele origin: germline.
Comment: The p.R1125L variant (also known as c.3374G>T), located in coding exon 28 of the TSC2 gene, results from a G to T substitution at nucleotide position 3374. The arginine at codon 1125 is replaced by leucine, an amino acid with dissimilar properties. This amino acid position is conserved. In addition, this alteration is predicted to be deleterious by in silico analysis. Based on the available evidence, the clinical significance of this variant remains unclear.

NM_000548.5(TSC2):c.3374G>T (p.Arg1125Leu)

Gene: TSC2 (TSC complex subunit 2; plus strand). Cytogenetic location: 16p13.3.
Variant type: single nucleotide variant.
Coding change: c.3374G>T on transcript NM_000548.5 (MANE Select); coding-DNA position 3374, G replaced by T.
Protein change: p.Arg1125Leu; replaces arginine 1125 with leucine.
Molecular consequence: missense variant. On other transcripts: non-coding transcript variant (5).
Genome position (GRCh38, 1-based): chr16:2,079,646, G>T. VCF-style: chr16-2079646-G-T. GRCh37 (hg19) VCF-style: chr16-2129647-G-T.
Other names: c.3242G>T, p.Arg1081Leu (NM_001077183.3, NM_001370404.1, NM_001406665.1); c.3374G>T, p.Arg1125Leu (NM_001114382.3); c.3134G>T, p.Arg1045Leu (NM_001318827.2); c.3098G>T, p.Arg1033Leu (NM_001318829.2); c.2642G>T, p.Arg881Leu (NM_001318831.2, NM_001406687.1, NM_001406688.1); c.3275G>T, p.Arg1092Leu (NM_001318832.2); c.3245G>T, p.Arg1082Leu (NM_001363528.2, NM_001370405.1, NM_021055.3); c.3371G>T, p.Arg1124Leu (NM_001406663.1, NM_001406664.1); and 18 more; short protein forms R1032L, R1033L, R1081L, R1082L, R547L, R925L, R1045L, R1088L.
Identifiers: ClinVar variation 5031315 (VCV005031315.1).